The following is an entry in ClinVar:

NM_020944.3(GBA2):c.1202G>A (p.Arg401Gln)

Gene: GBA2 (glucosylceramidase beta 2; minus strand). Cytogenetic location: 9p13.3.
Variant type: single nucleotide variant.
Coding change: c.1202G>A on transcript NM_020944.3 (MANE Select); coding-DNA position 1202, G replaced by A.
Protein change: p.Arg401Gln; replaces arginine 401 with glutamine.
Molecular consequence: missense variant.
Genome position (GRCh38, 1-based): chr9:35,740,290, C>T on the plus strand (G>A on the coding strand, the complement: GBA2 is on the minus strand). VCF-style: chr9-35740290-C-T. GRCh37 (hg19) VCF-style: chr9-35740287-C-T.
Other names: c.1202G>A, p.Arg401Gln (NM_001330660.2); short protein forms R401Q.
Identifiers: ClinVar variation 2045652 (VCV002045652.1), dbSNP rs112979503, ClinGen allele CA5050483.
Genomic context (GRCh38, chr9:35,740,290, plus strand): 5'-GCTCCAAACATGATCCTGGGCATGTCCCAAGCCAGTGAAAACTCCAGGCGGCACTGGCCT[C>T]GAGGTCGCAACTTGCTGGAAACACACACAGCTCCAGCAATGCCTACTCCTTTCTGCGTAG-3'
Protein context (NP_065995.1, residues 391-411): AVCVSSKLRP[Arg401Gln]GQCRLEFSLA

ClinVar aggregate classification (germline): Uncertain significance (1 of 4 stars; one submission).

Conditions:
Spastic paraplegia. Identifiers: MedGen C0037772, HP:0001258.

Allele frequency attached by ClinVar (database versions not stated): ExAC 0.00007; gnomAD 0.00008; TOPMed 0.00008; 1000 Genomes Project 0.00020; 1000 Genomes Project 30x 0.00031.
gnomAD v4.1: 107 of 1,614,096 alleles (0.0066%); highest among the groups gnomAD compares: South Asian, 0.047%; no homozygotes.

Submission:

Labcorp Genetics (formerly Invitae), Labcorp
Classification: Uncertain significance for Spastic paraplegia. Last evaluated: 2022-04-30. Review status: criteria provided, single submitter. Criteria: Invitae Variant Classification Sherloc (09022015). Collection method: clinical testing. Allele origin: germline.
Comment: This sequence change replaces arginine, which is basic and polar, with glutamine, which is neutral and polar, at codon 401 of the GBA2 protein (p.Arg401Gln). This variant is present in population databases (rs112979503, gnomAD 0.05%). This variant has not been reported in the literature in individuals affected with GBA2-related conditions. Algorithms developed to predict the effect of missense changes on protein structure and function output the following: SIFT: "Tolerated"; PolyPhen-2: "Benign"; Align-GVGD: "Class C0". The glutamine amino acid residue is found in multiple mammalian species, which suggests that this missense change does not adversely affect protein function. In summary, the available evidence is currently insufficient to determine the role of this variant in disease. Therefore, it has been classified as a Variant of Uncertain Significance.